The following is an entry in ClinVar:

ClinVar aggregate classification (germline): Uncertain significance. Review status: criteria provided, multiple submitters, no conflicts (2 of 4 stars). 2 submissions from 2 submitters: Uncertain significance (2). Last evaluated 2025-03-11.

Conditions:
Hereditary cancer-predisposing syndrome. Also called: Hereditary neoplastic syndrome; Neoplastic Syndromes, Hereditary; Tumor predisposition; Hereditary Cancer Syndrome. Identifiers: Orphanet 140162, MedGen C0027672, MeSH D009386, MONDO:0015356.
Fanconi anemia complementation group J. Also called: BRIP1-Related Fanconi Anemia. Identifiers: Orphanet 84, MedGen C1836860, MONDO:0012187, OMIM 609054.
Familial cancer of breast. Also called: BREAST CANCER, FAMILIAL; hereditary breast carcinoma; Hereditary breast cancer. Identifiers: Orphanet 227535, MedGen C0346153, MONDO:0016419, OMIM 114480. Disease mechanism: loss of function.

Submissions (2):

Labcorp Genetics (formerly Invitae), Labcorp
Classification: Uncertain significance for Familial cancer of breast; Fanconi anemia complementation group J. Last evaluated: 2025-03-11. Review status: criteria provided, single submitter. Criteria: Invitae Variant Classification Sherloc (09022015). Collection method: clinical testing. Allele origin: germline.
Comment: This sequence change creates a premature translational stop signal (p.Met1244Thrfs*2) in the BRIP1 gene. While this is not anticipated to result in nonsense mediated decay, it is expected to disrupt the last 6 amino acid(s) of the BRIP1 protein. This variant is not present in population databases (gnomAD no frequency). This variant has not been reported in the literature in individuals affected with BRIP1-related conditions. ClinVar contains an entry for this variant (Variation ID: 461165). In summary, the available evidence is currently insufficient to determine the role of this variant in disease. Therefore, it has been classified as a Variant of Uncertain Significance.

Ambry Genetics
Classification: Uncertain significance for Hereditary cancer-predisposing syndrome. Last evaluated: 2024-05-24. Review status: criteria provided, single submitter. Criteria: Ambry Variant Classification Scheme 2023. Collection method: clinical testing. Allele origin: germline.
Comment: The c.3731_*5del25 variant (also known as p.M1244Tfs*2), located between coding exon 19 and the 3'-UTR of the BRIP1 gene, results from a deletion of 25 nucleotides (TGTTTCCTGGTTTTAAGTAATAATA) at positions 3731 to *5 causing a translational frameshift with a predicted alternate stop codon. This alteration occurs at the 3' terminus of the BRIP1 gene, is not expected to trigger nonsense-mediated mRNA decay, and only impacts the last 6 amino acids of the protein. The exact functional effect of this alteration is unknown. Since supporting evidence is limited at this time, the clinical significance of this alteration remains unclear.

NM_032043.3(BRIP1):c.3731_*5del (p.Met1244fs)

Gene: BRIP1 (BRCA1 interacting DNA helicase 1; minus strand). Cytogenetic location: 17q23.2.
Variant type: Deletion.
Coding change: c.3731_*5del on transcript NM_032043.3 (MANE Select); coding-DNA position 3731 through 5 bases downstream of the stop codon, 25 bases deleted (TGTTTCCTGGTTTTAAGTAATAATA).
Protein change: p.Met1244fs; shifts the reading frame from methionine 1244.
Molecular consequence: frameshift variant.
Genome position (GRCh38, 1-based): chr17:61,683,291-61,683,315, TATTATTACTTAAAACCAGGAAACA deleted on the plus strand (TGTTTCCTGGTTTTAAGTAATAATA on the coding strand, the reverse complement: BRIP1 is on the minus strand); deleting any 25 consecutive bases within chr17:61,683,291-61,683,316 gives the same sequence; the c. name uses the placement nearest the transcript's 3' end. VCF-style (leftmost placement, unchanged base first): chr17-61683290-GTATTATTACTTAAAACCAGGAAACA-G. GRCh37 (hg19) VCF-style: chr17-59760651-GTATTATTACTTAAAACCAGGAAACA-G.
Other names: c.3731_*5del25 (NM_032043.2).
Identifiers: ClinVar variation 461165 (VCV000461165.17), dbSNP rs1555572407, ClinGen allele CA658658683.